The following is an entry in ClinVar:

NM_000179.3(MSH6):c.3367G>T (p.Glu1123Ter)

Gene: MSH6 (mutS homolog 6; plus strand). Cytogenetic location: 2p16.3.
Variant type: single nucleotide variant.
Coding change: c.3367G>T on transcript NM_000179.3 (MANE Select); coding-DNA position 3367, G replaced by T.
Protein change: p.Glu1123Ter; replaces glutamic acid 1123 with a stop codon.
Molecular consequence: nonsense.
Genome position (GRCh38, 1-based): chr2:47,803,614, G>T. VCF-style: chr2-47803614-G-T. GRCh37 (hg19) VCF-style: chr2-48030753-G-T.
Other names: c.2977G>T, p.Glu993Ter (NM_001281492.2); c.2461G>T, p.Glu821Ter (NM_001281493.2, NM_001281494.2); short protein forms E1123*, E993*, E821*.
Identifiers: ClinVar variation 89376 (VCV000089376.11), dbSNP rs267608086, ClinGen allele CA012699.

ClinVar aggregate classification (germline): Pathogenic. Review status: reviewed by expert panel (3 of 4 stars). 3 submissions from 3 submitters: Pathogenic (1). 2 of the submissions do not count toward it. Last evaluated 2013-09-05.

Conditions:
Hereditary nonpolyposis colorectal neoplasms. Identifiers: MedGen C0009405, MeSH D003123.
Lynch syndrome. Identifiers: Orphanet 144, MedGen C4552100, MONDO:0005835. Disease mechanism: loss of function.
Lynch syndrome 5 (LYNCH5). Also called: Colorectal cancer, hereditary nonpolyposis, type 5; Hereditary non-polyposis colorectal cancer, type 5. Identifiers: Orphanet 144, MedGen C1833477, MONDO:0013710, OMIM 614350. Disease mechanism: loss of function.

Submissions (3):

International Society for Gastrointestinal Hereditary Tumours (InSiGHT)
Classification: Pathogenic for Lynch Syndrome. Last evaluated: 2013-09-05. Review status: reviewed by expert panel. Criteria: Guidelines v1.9. Collection method: research. Allele origin: germline.
Comment: Coding sequence variation resulting in a stop codon

Classified with v1.9 guidelines

Myriad Genetics, Inc.
Classification: Pathogenic for Lynch syndrome 5. Last evaluated: 2023-08-22. Review status: criteria provided, single submitter. Criteria: Myriad Autosomal Dominant, Autosomal Recessive and X-Linked Classification Criteria (2023). Collection method: clinical testing. Allele origin: unknown. Not counted in ClinVar's aggregate classification.
Comment: This variant is considered pathogenic. This variant creates a termination codon and is predicted to result in premature protein truncation.

Labcorp Genetics (formerly Invitae), Labcorp
Classification: Pathogenic for Hereditary nonpolyposis colorectal neoplasms. Last evaluated: 2022-03-23. Review status: criteria provided, single submitter. Criteria: Invitae Variant Classification Sherloc (09022015). Collection method: clinical testing. Allele origin: germline. Not counted in ClinVar's aggregate classification.
Comment: This sequence change creates a premature translational stop signal (p.Glu1123*) in the MSH6 gene. It is expected to result in an absent or disrupted protein product. Loss-of-function variants in MSH6 are known to be pathogenic (PMID: 18269114, 24362816). For these reasons, this variant has been classified as Pathogenic. ClinVar contains an entry for this variant (Variation ID: 89376). This premature translational stop signal has been observed in individual(s) with rectal cancer (PMID: 18301448). This variant is not present in population databases (gnomAD no frequency).

Literature cited by the submitters: PubMed 18269114 (cited by Labcorp Genetics (formerly Invitae), Labcorp); PubMed 24362816 (cited by Labcorp Genetics (formerly Invitae), Labcorp); PubMed 18301448 (cited by Labcorp Genetics (formerly Invitae), Labcorp).